The following is an entry in ClinVar:

ClinVar aggregate classification (germline): Uncertain significance (1 of 4 stars; one submission).

gnomAD v4.1: 4 of 1,521,982 alleles (0.00026%); highest among the groups gnomAD compares: South Asian, 0.0038%; no homozygotes.

Submission:

Ambry Genetics
Classification: Uncertain significance. Last evaluated: 2025-03-19. Review status: criteria provided, single submitter. Criteria: Ambry Variant Classification Scheme 2023. Collection method: clinical testing. Allele origin: germline.
Comment: The p.P1814S variant (also known as c.5440C>T), located in coding exon 22 of the WNK2 gene, results from a C to T substitution at nucleotide position 5440. The proline at codon 1814 is replaced by serine, an amino acid with similar properties. This amino acid position is conserved. In addition, this alteration is predicted to be tolerated by in silico analysis. Based on the available evidence, the clinical significance of this variant remains unclear.

NM_006648.4(WNK2):c.5440C>T (p.Pro1814Ser)

Gene: WNK2 (WNK lysine deficient protein kinase 2; plus strand). Cytogenetic location: 9q22.31.
Variant type: single nucleotide variant.
Coding change: c.5440C>T on transcript NM_006648.4 (MANE Select); coding-DNA position 5440, C replaced by T.
Protein change: p.Pro1814Ser; replaces proline 1814 with serine.
Molecular consequence: missense variant.
Genome position (GRCh38, 1-based): chr9:93,292,905, C>T. VCF-style: chr9-93292905-C-T. GRCh37 (hg19) VCF-style: chr9-96055187-C-T.
Other names: c.5551C>T, p.Pro1851Ser (NM_001282394.3); short protein forms P1814S, P1851S.
Identifiers: ClinVar variation 3981673 (VCV003981673.1).